The following is an entry in ClinVar:

NM_002691.4(POLD1):c.1097C>T (p.Ala366Val)

Gene: POLD1 (DNA polymerase delta 1, catalytic subunit; plus strand). Cytogenetic location: 19q13.33.
Variant type: single nucleotide variant.
Coding change: c.1097C>T on transcript NM_002691.4 (MANE Select); coding-DNA position 1097, C replaced by T.
Protein change: p.Ala366Val; replaces alanine 366 with valine.
Molecular consequence: missense variant. On other transcripts: non-coding transcript variant (1).
Genome position (GRCh38, 1-based): chr19:50,403,179, C>T. VCF-style: chr19-50403179-C-T. GRCh37 (hg19) VCF-style: chr19-50906436-C-T.
Other names: c.1097C>T, p.Ala366Val (NM_001256849.1, NM_001308632.1); short protein forms A366V.
Identifiers: ClinVar variation 949251 (VCV000949251.13), dbSNP rs1555790449, ClinGen allele CA406978318.

ClinVar aggregate classification (germline): Uncertain significance. Review status: criteria provided, multiple submitters, no conflicts (2 of 4 stars). 2 submissions from 2 submitters: Uncertain significance (2). Last evaluated 2025-08-27.

Conditions:
POLD1-related polyposis and colorectal cancer syndrome (CRCS10). Also called: Colorectal cancer 10; COLORECTAL CANCER, SUSCEPTIBILITY TO, ON CHROMOSOME 19q; Colorectal cancer, susceptibility to, 10. Identifiers: Orphanet 220460, MedGen C2675481, MONDO:0012953, OMIM 612591.
Hereditary cancer-predisposing syndrome. Also called: Hereditary neoplastic syndrome; Tumor predisposition; Neoplastic Syndromes, Hereditary; Hereditary Cancer Syndrome. Identifiers: Orphanet 140162, MedGen C0027672, MeSH D009386, MONDO:0015356.

Submissions (2):

Labcorp Genetics (formerly Invitae), Labcorp
Classification: Uncertain significance for POLD1-related polyposis and colorectal cancer syndrome. Last evaluated: 2025-08-27. Review status: criteria provided, single submitter. Criteria: Invitae Variant Classification Sherloc (09022015). Collection method: clinical testing. Allele origin: germline.
Comment: This sequence change replaces alanine, which is neutral and non-polar, with valine, which is neutral and non-polar, at codon 366 of the POLD1 protein (p.Ala366Val). This variant is not present in population databases (gnomAD no frequency). This variant has not been reported in the literature in individuals affected with POLD1-related conditions. ClinVar contains an entry for this variant (Variation ID: 949251). Invitae Evidence Modeling of protein sequence and biophysical properties (such as structural, functional, and spatial information, amino acid conservation, physicochemical variation, residue mobility, and thermodynamic stability) indicates that this missense variant is not expected to disrupt POLD1 protein function with a negative predictive value of 80%. In summary, the available evidence is currently insufficient to determine the role of this variant in disease. Therefore, it has been classified as a Variant of Uncertain Significance.

Ambry Genetics
Classification: Uncertain significance for Hereditary cancer-predisposing syndrome. Last evaluated: 2024-07-18. Review status: criteria provided, single submitter. Criteria: Ambry Variant Classification Scheme 2023. Collection method: clinical testing. Allele origin: germline.
Comment: The p.A366V variant (also known as c.1097C>T), located in coding exon 8 of the POLD1 gene, results from a C to T substitution at nucleotide position 1097. The alanine at codon 366 is replaced by valine, an amino acid with similar properties. This amino acid position is not well conserved in available vertebrate species. In addition, this alteration is predicted to be tolerated by in silico analysis. Since supporting evidence is limited at this time, the clinical significance of this alteration remains unclear.